The following is an entry in ClinVar:

ClinVar aggregate classification (germline): Uncertain significance (1 of 4 stars; one submission).

Allele frequency attached by ClinVar (database versions not stated): gnomAD 0.00001.
gnomAD v4.1: 2 of 1,614,052 alleles (0.00012%); highest among the groups gnomAD compares: Admixed American, 0.0033%; no homozygotes.

Submission:

Labcorp Genetics (formerly Invitae), Labcorp
Classification: Uncertain significance. Last evaluated: 2024-01-29. Review status: criteria provided, single submitter. Criteria: Invitae Variant Classification Sherloc (09022015). Collection method: clinical testing. Allele origin: germline.
Comment: This sequence change replaces serine, which is neutral and polar, with arginine, which is basic and polar, at codon 548 of the CNGA1 protein (p.Ser548Arg). This variant is not present in population databases (gnomAD no frequency). This variant has not been reported in the literature in individuals affected with CNGA1-related conditions. ClinVar contains an entry for this variant (Variation ID: 2087458). Advanced modeling of protein sequence and biophysical properties (such as structural, functional, and spatial information, amino acid conservation, physicochemical variation, residue mobility, and thermodynamic stability) performed at Invitae indicates that this missense variant is expected to disrupt CNGA1 protein function with a positive predictive value of 80%. In summary, the available evidence is currently insufficient to determine the role of this variant in disease. Therefore, it has been classified as a Variant of Uncertain Significance.

NM_001379270.1(CNGA1):c.1630A>C (p.Ser544Arg)

Genes: CNGA1 (cyclic nucleotide gated channel subunit alpha 1; minus strand), LOC101927157 (uncharacterized LOC101927157; plus strand). Cytogenetic location: 4p12.
Variant type: single nucleotide variant.
Coding change: c.1630A>C on transcript NM_001379270.1 (MANE Select); coding-DNA position 1630, A replaced by C.
Protein change: p.Ser544Arg; replaces serine 544 with arginine.
Molecular consequence: missense variant.
Genome position (GRCh38, 1-based): chr4:47,936,852, T>G on the plus strand (A>C on the coding strand, the complement: CNGA1 is on the minus strand). VCF-style: chr4-47936852-T-G. GRCh37 (hg19) VCF-style: chr4-47938869-T-G.
Other names: c.1630A>C, p.Ser544Arg (NM_000087.5, NM_001142564.2); short protein forms S544R.
Identifiers: ClinVar variation 2087458 (VCV002087458.4), dbSNP rs1738678531, ClinGen allele CA356824806.